The following is an entry in ClinVar:

NM_012469.4(PRPF6):c.565A>G (p.Lys189Glu)

Gene: PRPF6 (pre-mRNA processing factor 6; plus strand). Cytogenetic location: 20q13.33.
Variant type: single nucleotide variant.
Coding change: c.565A>G on transcript NM_012469.4 (MANE Select); coding-DNA position 565, A replaced by G.
Protein change: p.Lys189Glu; replaces lysine 189 with glutamic acid.
Molecular consequence: missense variant.
Genome position (GRCh38, 1-based): chr20:63,995,042, A>G. VCF-style: chr20-63995042-A-G. GRCh37 (hg19) VCF-style: chr20-62626395-A-G.
Other names: short protein forms K189E.
Identifiers: ClinVar variation 1719311 (VCV001719311.5), dbSNP rs2517617473, ClinGen allele CA409715728.

ClinVar aggregate classification (germline): Uncertain significance (1 of 4 stars; one submission).

Submission:

Labcorp Genetics (formerly Invitae), Labcorp
Classification: Uncertain significance. Last evaluated: 2022-09-13. Review status: criteria provided, single submitter. Criteria: Invitae Variant Classification Sherloc (09022015). Collection method: clinical testing. Allele origin: germline.
Comment: This sequence change replaces lysine, which is basic and polar, with glutamic acid, which is acidic and polar, at codon 189 of the PRPF6 protein (p.Lys189Glu). This variant is not present in population databases (gnomAD no frequency). This variant has not been reported in the literature in individuals affected with PRPF6-related conditions. Advanced modeling of protein sequence and biophysical properties (such as structural, functional, and spatial information, amino acid conservation, physicochemical variation, residue mobility, and thermodynamic stability) performed at Invitae indicates that this missense variant is not expected to disrupt PRPF6 protein function. In summary, the available evidence is currently insufficient to determine the role of this variant in disease. Therefore, it has been classified as a Variant of Uncertain Significance.